The following is an entry in ClinVar:

ClinVar aggregate classification (germline): Conflicting classifications of pathogenicity. Review status: criteria provided, conflicting classifications (1 of 4 stars). 2 submissions from 2 submitters: Uncertain significance (1); Likely benign (1). Last evaluated 2025-03-27.

Conditions:
Colorectal cancer, hereditary nonpolyposis, type 7. Identifiers: Orphanet 144, MedGen C1858380, MONDO:0013725, OMIM 614385.

Allele frequency attached by ClinVar (database versions not stated): gnomAD 0.00001; gnomAD exomes 0.00002; TOPMed 0.00002; ExAC 0.00003; 1000 Genomes Project 0.00020; 1000 Genomes Project 30x 0.00031.
gnomAD v4.1: 19 of 1,614,142 alleles (0.0012%); highest among the groups gnomAD compares: Middle Eastern, 0.016%; no homozygotes.

Submissions (2):

Ambry Genetics
Classification: Likely benign. Last evaluated: 2025-03-27. Review status: criteria provided, single submitter. Criteria: Ambry Variant Classification Scheme 2023. Collection method: clinical testing. Allele origin: germline.

Labcorp Genetics (formerly Invitae), Labcorp
Classification: Uncertain significance for Colorectal cancer, hereditary nonpolyposis, type 7. Last evaluated: 2025-02-12. Review status: criteria provided, single submitter. Criteria: Invitae Variant Classification Sherloc (09022015). Collection method: clinical testing. Allele origin: germline.
Comment: This sequence change replaces leucine, which is neutral and non-polar, with valine, which is neutral and non-polar, at codon 733 of the MLH3 protein (p.Leu733Val). This variant is present in population databases (rs566653064, gnomAD 0.01%). This variant has not been reported in the literature in individuals affected with MLH3-related conditions. ClinVar contains an entry for this variant (Variation ID: 410899). An algorithm developed to predict the effect of missense changes on protein structure and function outputs the following: PolyPhen-2: "Benign". The valine amino acid residue is found in multiple mammalian species, which suggests that this missense change does not adversely affect protein function. In summary, the available evidence is currently insufficient to determine the role of this variant in disease. Therefore, it has been classified as a Variant of Uncertain Significance.

NM_001040108.2(MLH3):c.2197T>G (p.Leu733Val)

Gene: MLH3 (mutL homolog 3; minus strand). Cytogenetic location: 14q24.3.
Variant type: single nucleotide variant.
Coding change: c.2197T>G on transcript NM_001040108.2 (MANE Select); coding-DNA position 2197, T replaced by G.
Protein change: p.Leu733Val; replaces leucine 733 with valine.
Molecular consequence: missense variant.
Genome position (GRCh38, 1-based): chr14:75,047,459, A>C on the plus strand (T>G on the coding strand, the complement: MLH3 is on the minus strand). VCF-style: chr14-75047459-A-C. GRCh37 (hg19) VCF-style: chr14-75514162-A-C.
Other names: c.2197T>G, p.Leu733Val (NM_014381.3); short protein forms L733V.
Identifiers: ClinVar variation 410899 (VCV000410899.13), dbSNP rs566653064, ClinGen allele CA7275737.